The following is an entry in ClinVar:

NM_001267550.2(TTN):c.90121G>T (p.Asp30041Tyr)

Genes: TTN (titin; minus strand), TTN-AS1 (TTN antisense RNA 1; plus strand). Cytogenetic location: 2q31.2.
Variant type: single nucleotide variant.
Coding change: c.90121G>T on transcript NM_001267550.2 (MANE Select); coding-DNA position 90121, G replaced by T.
Protein change: p.Asp30041Tyr; replaces aspartic acid 30041 with tyrosine.
Molecular consequence: missense variant.
Genome position (GRCh38, 1-based): chr2:178,552,779, C>A on the plus strand (G>T on the coding strand, the complement: TTN is on the minus strand). VCF-style: chr2-178552779-C-A. GRCh37 (hg19) VCF-style: chr2-179417506-C-A.
Other names: c.85198G>T, p.Asp28400Tyr (NM_001256850.1); c.62926G>T, p.Asp20976Tyr (NM_003319.4); c.82417G>T, p.Asp27473Tyr (NM_133378.4); c.63301G>T, p.Asp21101Tyr (NM_133432.3); c.63502G>T, p.Asp21168Tyr (NM_133437.4); short protein forms D20976Y, D27473Y, D21168Y, D28400Y, D30041Y, D21101Y.
Identifiers: ClinVar variation 4795560 (VCV004795560.1).

ClinVar aggregate classification (germline): Uncertain significance (1 of 4 stars; one submission).

gnomAD v4.1: 6 of 1,613,792 alleles (0.00037%); highest among the groups gnomAD compares: South Asian, 0.0066%; no homozygotes.

Submission:

GeneDx
Classification: Uncertain significance. Last evaluated: 2025-08-13. Review status: criteria provided, single submitter. Criteria: GeneDx Variant Classification Process June 2021. Collection method: clinical testing. Allele origin: germline. Affected: yes.
Comment: Not observed at significant frequency in large population cohorts (gnomAD); Missense variant in a gene in which most reported pathogenic variants are truncating/loss of function; Has not been previously published as pathogenic or benign to our knowledge